The following is an entry in ClinVar:

NM_001211.6(BUB1B):c.761A>G (p.Gln254Arg)

Gene: BUB1B (BUB1 mitotic checkpoint serine/threonine kinase B; plus strand). Cytogenetic location: 15q15.1.
Variant type: single nucleotide variant.
Coding change: c.761A>G on transcript NM_001211.6 (MANE Select); coding-DNA position 761, A replaced by G.
Protein change: p.Gln254Arg; replaces glutamine 254 with arginine.
Molecular consequence: missense variant.
Genome position (GRCh38, 1-based): chr15:40,185,174, A>G. VCF-style: chr15-40185174-A-G. GRCh37 (hg19) VCF-style: chr15-40477375-A-G.
Other names: short protein forms Q254R.
Identifiers: ClinVar variation 3826120 (VCV003826120.1).

ClinVar aggregate classification (germline): Uncertain significance (1 of 4 stars; one submission).

Conditions:
Inborn genetic diseases. Identifiers: MedGen C0950123, MeSH D030342.

gnomAD v4.1: 2 of 1,613,970 alleles (0.00012%); highest among the groups gnomAD compares: Non-Finnish European, 0.00017%; no homozygotes.

Submission:

Ambry Genetics
Classification: Uncertain significance for Inborn genetic diseases. Last evaluated: 2025-02-10. Review status: criteria provided, single submitter. Criteria: Ambry Variant Classification Scheme 2023. Collection method: clinical testing. Allele origin: germline.
Comment: The p.Q254R variant (also known as c.761A>G), located in coding exon 7 of the BUB1B gene, results from an A to G substitution at nucleotide position 761. The glutamine at codon 254 is replaced by arginine, an amino acid with highly similar properties. This amino acid position is conserved. In addition, this alteration is predicted to be tolerated by in silico analysis. Based on the available evidence, the clinical significance of this variant remains unclear.